The following is an entry in ClinVar:

NM_015311.3(OBSL1):c.2780C>T (p.Ala927Val)

Gene: OBSL1 (obscurin like cytoskeletal adaptor 1; minus strand). Cytogenetic location: 2q35.
Variant type: single nucleotide variant.
Coding change: c.2780C>T on transcript NM_015311.3 (MANE Select); coding-DNA position 2780, C replaced by T.
Protein change: p.Ala927Val; replaces alanine 927 with valine.
Molecular consequence: missense variant.
Genome position (GRCh38, 1-based): chr2:219,562,575, G>A on the plus strand (C>T on the coding strand, the complement: OBSL1 is on the minus strand). VCF-style: chr2-219562575-G-A. GRCh37 (hg19) VCF-style: chr2-220427297-G-A.
Other names: c.2780C>T (NM_015311.2); c.2780C>T, p.Ala927Val (NM_001173408.2, NM_001173431.2); short protein forms A927V.
Identifiers: ClinVar variation 1930168 (VCV001930168.7), dbSNP rs578172389, ClinGen allele CA2131093.
Genomic context (GRCh38, chr2:219,562,575, plus strand): 5'-TGCAGGAGCAGCGCGGGGCTCTCCACCACCTCCTCTCCATCCTTGGTCCAGCGCACCTCT[G>A]CCCAGGGCCGGCATAGCTCACAGGTCAGCACCACACGCTCCAGGCGCACGGCTGCCACAT-3'
Protein context (NP_056126.1, residues 917-937): VLTCELCRPW[Ala927Val]EVRWTKDGEE

ClinVar aggregate classification (germline): Uncertain significance. Review status: criteria provided, multiple submitters, no conflicts (2 of 4 stars). 2 submissions from 2 submitters: Uncertain significance (2). Last evaluated 2023-06-26.

Conditions:
Inborn genetic diseases. Identifiers: MedGen C0950123, MeSH D030342.

Allele frequency attached by ClinVar (database versions not stated): TOPMed below 0.00001; gnomAD 0.00003; gnomAD exomes 0.00005; 1000 Genomes Project 30x 0.00016; ExAC 0.00017; 1000 Genomes Project 0.00020.
gnomAD v4.1: 75 of 1,613,020 alleles (0.0046%); highest among the groups gnomAD compares: South Asian, 0.082%; no homozygotes.

Submissions (2):

Ambry Genetics
Classification: Uncertain significance for Inborn genetic diseases. Last evaluated: 2023-06-26. Review status: criteria provided, single submitter. Criteria: Ambry Variant Classification Scheme 2023. Collection method: clinical testing. Allele origin: germline.

Labcorp Genetics (formerly Invitae), Labcorp
Classification: Uncertain significance. Last evaluated: 2022-03-31. Review status: criteria provided, single submitter. Criteria: Invitae Variant Classification Sherloc (09022015). Collection method: clinical testing. Allele origin: germline.
Comment: In summary, the available evidence is currently insufficient to determine the role of this variant in disease. Therefore, it has been classified as a Variant of Uncertain Significance. Algorithms developed to predict the effect of missense changes on protein structure and function output the following: SIFT: "Deleterious"; PolyPhen-2: "Possibly Damaging"; Align-GVGD: "Class C0". The valine amino acid residue is found in multiple mammalian species, which suggests that this missense change does not adversely affect protein function. This variant has not been reported in the literature in individuals affected with OBSL1-related conditions. This variant is present in population databases (rs578172389, gnomAD 0.09%). This sequence change replaces alanine, which is neutral and non-polar, with valine, which is neutral and non-polar, at codon 927 of the OBSL1 protein (p.Ala927Val).